The following is an entry in ClinVar:

ClinVar aggregate classification (germline): Uncertain significance. Review status: criteria provided, multiple submitters, no conflicts (2 of 4 stars). 3 submissions from 3 submitters: Uncertain significance (3). Last evaluated 2024-09-14.

Conditions:
Zimmermann-Laband syndrome 1 (ZLS1). Identifiers: Orphanet 3473, MedGen C4551773, MONDO:0024526, OMIM 135500.

Allele frequency attached by ClinVar (database versions not stated): TOPMed 0.00001.
gnomAD v4.1: 7 of 1,614,180 alleles (0.00043%); highest among the groups gnomAD compares: Non-Finnish European, 0.00051%; no homozygotes.

Submissions (3):

Labcorp Genetics (formerly Invitae), Labcorp
Classification: Uncertain significance. Last evaluated: 2024-09-14. Review status: criteria provided, single submitter. Criteria: Invitae Variant Classification Sherloc (09022015). Collection method: clinical testing. Allele origin: germline.
Comment: This sequence change replaces arginine, which is basic and polar, with cysteine, which is neutral and slightly polar, at codon 573 of the KCNH1 protein (p.Arg573Cys). This variant is not present in population databases (gnomAD no frequency). This missense change has been observed in individual(s) with KCNH1-related conditions (PMID: 31957018). ClinVar contains an entry for this variant (Variation ID: 930399). Invitae Evidence Modeling of protein sequence and biophysical properties (such as structural, functional, and spatial information, amino acid conservation, physicochemical variation, residue mobility, and thermodynamic stability) has been performed for this missense variant. However, the output from this modeling did not meet the statistical confidence thresholds required to predict the impact of this variant on KCNH1 protein function. In summary, the available evidence is currently insufficient to determine the role of this variant in disease. Therefore, it has been classified as a Variant of Uncertain Significance.

Blueprint Genetics
Classification: Uncertain significance. Last evaluated: 2024-03-14. Review status: criteria provided, single submitter. Criteria: ACMG Guidelines, 2015. Collection method: clinical testing. Allele origin: germline.

Centre for Mendelian Genomics, University Medical Centre Ljubljana
Classification: Uncertain significance for Zimmermann-Laband syndrome 1. Last evaluated: 2019-05-10. Review status: criteria provided, single submitter. Criteria: ACMG Guidelines, 2015. Collection method: clinical testing. Allele origin: unknown. Affected: yes.
Comment: This variant was classified as: Uncertain significance. The available evidence on this variant's pathogenicity is insufficient or conflicting. The following ACMG criteria were applied in classifying this variant: PM2,PP2,PP3.

Literature cited by the submitters: PubMed 31957018 (cited by Labcorp Genetics (formerly Invitae), Labcorp).

NM_172362.3(KCNH1):c.1717C>T (p.Arg573Cys)

Gene: KCNH1 (potassium voltage-gated channel subfamily H member 1; minus strand). Cytogenetic location: 1q32.2.
Variant type: single nucleotide variant.
Coding change: c.1717C>T on transcript NM_172362.3 (MANE Select); coding-DNA position 1717, C replaced by T.
Protein change: p.Arg573Cys; replaces arginine 573 with cysteine.
Molecular consequence: missense variant.
Genome position (GRCh38, 1-based): chr1:210,797,706, G>A on the plus strand (C>T on the coding strand, the complement: KCNH1 is on the minus strand). VCF-style: chr1-210797706-G-A. GRCh37 (hg19) VCF-style: chr1-210971048-G-A.
Other names: c.1636C>T, p.Arg546Cys (NM_002238.4); short protein forms R573C, R546C.
Identifiers: ClinVar variation 930399 (VCV000930399.6), dbSNP rs1684345922, ClinGen allele CA344872766.
Genomic context (GRCh38, chr1:210,797,706, plus strand): 5'-GTGCCCGGAGGCAGCCATCACTGGCCAGCCGGAAGGCCGGGTGCTCCTTGAACACCTTGC[G>A]GTTCAGGTGCACGCAGATGTCGGCTCTCATGTCCTTGGGGCAGATCTGCAGGACCTAGCC-3'
Protein context (NP_758872.1, residues 563-583): MRADICVHLN[Arg573Cys]KVFKEHPAFR